The following is an entry in ClinVar:

ClinVar aggregate classification (germline): Conflicting classifications of pathogenicity. Review status: criteria provided, conflicting classifications (1 of 4 stars). 2 submissions from 2 submitters: Uncertain significance (1); Likely benign (1). Last evaluated 2026-07-01.

Conditions:
Inborn genetic diseases. Identifiers: MedGen C0950123, MeSH D030342.

Allele frequency attached by ClinVar (database versions not stated): gnomAD 0.00001; 1000 Genomes Project 30x 0.00016; 1000 Genomes Project 0.00020.
gnomAD v4.1: 71 of 1,613,674 alleles (0.0044%); highest among the groups gnomAD compares: South Asian, 0.074%; 1 homozygote.

Submissions (2):

CeGaT Center for Human Genetics Tuebingen
Classification: Likely benign. Last evaluated: 2026-07-01. Review status: criteria provided, single submitter. Criteria: CeGaT Center For Human Genetics Tuebingen Variant Classification Criteria Version 2. Collection method: clinical testing. Allele origin: germline. Affected: yes. Observed: 1 variant allele.
Comment: SNAPC4: BP4

Ambry Genetics
Classification: Uncertain significance for Inborn genetic diseases. Last evaluated: 2024-07-30. Review status: criteria provided, single submitter. Criteria: Ambry Variant Classification Scheme 2023. Collection method: clinical testing. Allele origin: germline.

NM_003086.4(SNAPC4):c.412C>T (p.Pro138Ser)

Gene: SNAPC4 (small nuclear RNA activating complex polypeptide 4; minus strand). Cytogenetic location: 9q34.3.
Variant type: single nucleotide variant.
Coding change: c.412C>T on transcript NM_003086.4 (MANE Select); coding-DNA position 412, C replaced by T.
Protein change: p.Pro138Ser; replaces proline 138 with serine.
Molecular consequence: missense variant.
Genome position (GRCh38, 1-based): chr9:136,395,357, G>A on the plus strand (C>T on the coding strand, the complement: SNAPC4 is on the minus strand). VCF-style: chr9-136395357-G-A. GRCh37 (hg19) VCF-style: chr9-139289809-G-A.
Other names: c.412C>T, p.Pro138Ser (NM_001394201.1, NM_001394202.1, NM_001394203.1); short protein forms P138S.
Identifiers: ClinVar variation 3166929 (VCV003166929.3), dbSNP rs564608159, ClinGen allele CA5334911.
Genomic context (GRCh38, chr9:136,395,357, plus strand): 5'-CCACGCCCGTGACCTTGTCCTTGAAATACGGCTTCATGAAGTGCCCCATGTATGTGCTTG[G>A]GGGCAGGCTTTTGCCATCTTTCACCTTGGTGCCTTTGGACCCAGCCAGATCCCTCATGAG-3'
Protein context (NP_003077.2, residues 128-148): TKVKDGKSLP[Pro138Ser]STYMGHFMKP